The following is an entry in ClinVar:

NM_000488.4(SERPINC1):c.536T>C (p.Phe179Ser)

Gene: SERPINC1 (serpin family C member 1; minus strand). Cytogenetic location: 1q25.1.
Variant type: single nucleotide variant.
Coding change: c.536T>C on transcript NM_000488.4 (MANE Select); coding-DNA position 536, T replaced by C.
Protein change: p.Phe179Ser; replaces phenylalanine 179 with serine.
Molecular consequence: missense variant. On other transcripts: intron variant (1).
Genome position (GRCh38, 1-based): chr1:173,911,887, A>G on the plus strand (T>C on the coding strand, the complement: SERPINC1 is on the minus strand). VCF-style: chr1-173911887-A-G. GRCh37 (hg19) VCF-style: chr1-173881025-A-G.
Other names: NM_000488.4(SERPINC1):c.536T>C; p.Phe179Ser; c.392T>C, p.Phe131Ser (NM_001365052.2); c.536T>C, p.Phe179Ser (NM_001386302.1, NM_001386304.1, NM_001386305.1); c.617T>C, p.Phe206Ser (NM_001386303.1); c.409-996T>C (NM_001386306.1); short protein forms F131S, F179S, F206S.
Identifiers: ClinVar variation 660852 (VCV000660852.6), dbSNP rs483352847, ClinGen allele CA343776467.

ClinVar aggregate classification (germline): Uncertain significance. Review status: reviewed by expert panel (3 of 4 stars). 2 submissions from 2 submitters: Uncertain significance (1). 1 of the submissions does not count toward it. Last evaluated 2024-01-25.

Conditions:
Hereditary antithrombin deficiency (AT3D). Also called: Antithrombin III deficiency; Thrombophilia due to antithrombin III deficiency; Reduced antithrombin III activity; Antithrombin deficiency. Identifiers: Orphanet 82, MedGen C0272375, MONDO:0013144, OMIM 613118, HP:0001976.

Submissions (2):

Clingen Thrombosis Variant Curation Expert Panel, ClinGen
Classification: Uncertain significance for Hereditary antithrombin deficiency. Last evaluated: 2024-01-25. Review status: reviewed by expert panel. Criteria: ClinGen ACMG Specifications SERPINC1 V1.0.0. Collection method: curation. Allele origin: germline. Inheritance: Autosomal dominant inheritance.
Comment: The c.536T>C (NM_000488.3) variant in SERPINC1 is a missense variant predicted to cause substitution of phenylalanine by serine at amino acid 179 (p.Phe179Ser). The variant is absent from gnomAD v2.1.1 and v3.1 with good coverage across both genomes and exomes, meeting criteria for PM2_supporting. The computational predictor REVEL gives a score of 0.946, which is above the threshold of >0.6 and provides evidence that correlates with impact to SERPINC1 function, meeting criteria for PP3. In summary, based on the evidence available at this time, the clinical significance of this variant is uncertain. ACMG/AMP criteria applied, as specified by the Thrombosis Variant Curation Expert Panel for AT Deficiency for SERPINC1: PP3, PM2_Supporting

Labcorp Genetics (formerly Invitae), Labcorp
Classification: Likely pathogenic for Hereditary antithrombin deficiency. Last evaluated: 2020-01-03. Review status: criteria provided, single submitter. Criteria: Invitae Variant Classification Sherloc (09022015). Collection method: clinical testing. Allele origin: germline. Not counted in ClinVar's aggregate classification.
Comment: This variant disrupts the p.Phe179 amino acid residue in SERPINC1. Other variant(s) that disrupt this residue have been observed in individuals with SERPINC1-related conditions (PMID: 16705712, 15164384, 28317092), which suggests that this may be a clinically significant amino acid residue. Advanced modeling of protein sequence and biophysical properties (such as structural, functional, and spatial information, amino acid conservation, physicochemical variation, residue mobility, and thermodynamic stability) performed at Invitae indicates that this missense variant is expected to disrupt SERPINC1 protein function. This variant has been observed in individual(s) with SERPINC1-related conditions (Invitae). This variant is not present in population databases (ExAC no frequency). This sequence change replaces phenylalanine with serine at codon 179 of the SERPINC1 protein (p.Phe179Ser). The phenylalanine residue is highly conserved and there is a large physicochemical difference between phenylalanine and serine. In summary, the currently available evidence indicates that the variant is pathogenic, but additional data are needed to prove that conclusively. Therefore, this variant has been classified as Likely Pathogenic.

Literature cited by the submitters: PubMed 16705712 (cited by Labcorp Genetics (formerly Invitae), Labcorp); PubMed 15164384 (cited by Labcorp Genetics (formerly Invitae), Labcorp); PubMed 28317092 (cited by Labcorp Genetics (formerly Invitae), Labcorp).